The following is an entry in ClinVar:

ClinVar aggregate classification (germline): Benign. Review status: reviewed by expert panel (3 of 4 stars). 2 submissions from 2 submitters: Benign (1). 1 of the submissions does not count toward it. Last evaluated 2025-08-01.

Conditions:
RPGR-related retinopathy. Also called: RPGR retinopathy. Identifiers: MedGen CN305589, MONDO:0100437.

Allele frequency attached by ClinVar (database versions not stated): TOPMed 0.00034; gnomAD 0.00050; gnomAD exomes 0.00062; ExAC 0.00104; 1000 Genomes Project 0.00132; 1000 Genomes Project 30x 0.00146.
gnomAD v4.1: 658 of 1,117,443 alleles (0.059%); highest among the groups gnomAD compares: South Asian, 0.45%; no homozygotes.

Submissions (2):

ClinGen X-linked Inherited Retinal Disease Variant Curation Expert Panel, ClinGen
Classification: Benign for RPGR-related retinopathy. Last evaluated: 2025-08-01. Review status: reviewed by expert panel. Criteria: ClinGen X LinkedIRD ACMG Specifications RPGR V1.0.0. Collection method: curation. Allele origin: germline. Inheritance: X-linked inheritance.
Comment: NM_001034853.2(RPGR):c.154+43A>G is an intron 2 variant located 43 nucleotides from exon 2. This variant is present in gnomAD v.4.1.0 at a frequency of 0.0008354 among hemizygous individuals, with 279 variant alleles / 333,989 total hemizygous alleles, which is higher than the ClinGen X-linked IRD VCEP BA1 threshold of >0.00005 (BA1). The splicing impact predictor SpliceAI gives a delta score of 0.01, which is below the ClinGen X-linked IRD VCEP recommended threshold of <0.1 and does not strongly predict an impact on splicing (BP4). The variant is located outside of the splice donor region (BP7). In summary, this variant is classified as benign for RPGR-related retinopathy based on the ClinGen X-linked Inherited Retinal Disease Expert Panel Specifications to the ACMG/AMP Variant Interpretation Guidelines for RPGR Version 1.0.0; BA1, BP4, and BP7. (date of approval 05/16/2025).

PreventionGenetics, part of Exact Sciences
Classification: Likely benign. Last evaluated: 2013-03-15. Review status: criteria provided, single submitter. Criteria: ACMG Guidelines, 2015. Collection method: clinical testing. Allele origin: germline. Not counted in ClinVar's aggregate classification.

NM_001034853.2(RPGR):c.154+43A>G

Gene: RPGR (retinitis pigmentosa GTPase regulator; minus strand). Cytogenetic location: Xp11.4.
Variant type: single nucleotide variant.
Coding change: c.154+43A>G on transcript NM_001034853.2 (MANE Select); 43 bases into the intron after coding-DNA position 154, A replaced by G.
Molecular consequence: intron variant.
Genome position (GRCh38, 1-based): chrX:38,323,356, T>C on the plus strand (A>G on the coding strand, the complement: RPGR is on the minus strand). VCF-style: chrX-38323356-T-C. GRCh37 (hg19) VCF-style: chrX-38182609-T-C.
Other names: c.154+43A>G (NM_001367249.1, NM_001367250.1, NM_001367245.1 and 4 more transcripts); c.184+43A>G (NM_001367248.1).
Identifiers: ClinVar variation 2430226 (VCV002430226.3), dbSNP rs187358740, ClinGen allele CA10385722.
Genomic context (GRCh38, chrX:38,323,356, plus strand): 5'-TTGATAATATTTTCAACATGTTTAAAACACAGCAGCATATCTATAACAAAATATTTAGAA[T>C]TTTCTAAGTATTACTGTCCTTATTCAGGATTGTAATACTAACCGGTAACAACAGCAGAAT-3'